The following is an entry in ClinVar:

NM_007194.4(CHEK2):c.1136C>G (p.Ser379Cys)

Gene: CHEK2 (checkpoint kinase 2; minus strand). Cytogenetic location: 22q12.1.
Variant type: single nucleotide variant.
Coding change: c.1136C>G on transcript NM_007194.4 (MANE Select); coding-DNA position 1136, C replaced by G.
Protein change: p.Ser379Cys; replaces serine 379 with cysteine.
Molecular consequence: missense variant.
Genome position (GRCh38, 1-based): chr22:28,695,833, G>C on the plus strand (C>G on the coding strand, the complement: CHEK2 is on the minus strand). VCF-style: chr22-28695833-G-C. GRCh37 (hg19) VCF-style: chr22-29091821-G-C.
Other names: p.S379C:TCT>TGT; c.1265C>G, p.Ser422Cys (NM_001005735.3); c.473C>G, p.Ser158Cys (NM_001257387.3); c.935C>G, p.Ser312Cys (NM_001349956.3); c.1049C>G, p.Ser350Cys (NM_145862.3); short protein forms S379C, S158C, S350C, S312C, S422C.
Identifiers: ClinVar variation 182434 (VCV000182434.14), dbSNP rs267606211, ClinGen allele CA299080.
Genomic context (GRCh38, chr22:28,695,833, plus strand): 5'-ACAGAAACAAGAACTTCAGGCGCCAAGTAGGTGGGGGTTCCACATAAGGTTCTCATGAGA[G>C]AGGTCTCTCCCAAAATCTTGGAGTGCCCAAAATCAGTAATCTAAAATTCAGTACAAAAGG-3'
Protein context (NP_009125.1, residues 369-389): FGHSKILGET[Ser379Cys]LMRTLCGTPT

ClinVar aggregate classification (germline): Uncertain significance. Review status: criteria provided, multiple submitters, no conflicts (2 of 4 stars). 4 submissions from 4 submitters: Uncertain significance (4). Last evaluated 2025-10-28.

Conditions:
Hereditary cancer-predisposing syndrome. Also called: Tumor predisposition; Hereditary Cancer Syndrome; Hereditary neoplastic syndrome; Neoplastic Syndromes, Hereditary. Identifiers: Orphanet 140162, MedGen C0027672, MeSH D009386, MONDO:0015356.
Familial cancer of breast. Also called: BREAST CANCER, FAMILIAL; Hereditary breast cancer; hereditary breast carcinoma. Identifiers: Orphanet 227535, MedGen C0346153, MONDO:0016419, OMIM 114480. Disease mechanism: loss of function.

Submissions (4):

Labcorp Genetics (formerly Invitae), Labcorp
Classification: Uncertain significance for Familial cancer of breast. Last evaluated: 2025-10-28. Review status: criteria provided, single submitter. Criteria: Invitae Variant Classification Sherloc (09022015). Collection method: clinical testing. Allele origin: germline.
Comment: This sequence change replaces serine, which is neutral and polar, with cysteine, which is neutral and slightly polar, at codon 379 of the CHEK2 protein (p.Ser379Cys). This variant is not present in population databases (gnomAD no frequency). This variant has not been reported in the literature in individuals affected with CHEK2-related conditions. ClinVar contains an entry for this variant (Variation ID: 182434). An algorithm developed to predict the effect of missense changes on protein structure and function (PolyPhen-2) suggests that this variant is likely to be disruptive. In summary, the available evidence is currently insufficient to determine the role of this variant in disease. Therefore, it has been classified as a Variant of Uncertain Significance.

Baylor Genetics
Classification: Uncertain significance for Familial cancer of breast. Last evaluated: 2024-03-19. Review status: criteria provided, single submitter. Criteria: ACMG Guidelines, 2015. Collection method: clinical testing. Allele origin: unknown.

Ambry Genetics
Classification: Uncertain significance for Hereditary cancer-predisposing syndrome. Last evaluated: 2023-09-06. Review status: criteria provided, single submitter. Criteria: Ambry Variant Classification Scheme 2023. Collection method: clinical testing. Allele origin: germline.
Comment: The p.S379C variant (also known as c.1136C>G), located in coding exon 10 of the CHEK2 gene, results from a C to G substitution at nucleotide position 1136. The serine at codon 379 is replaced by cysteine, an amino acid with dissimilar properties. This amino acid position is well conserved in available vertebrate species. In addition, the in silico prediction for this alteration is inconclusive. Since supporting evidence is limited at this time, the clinical significance of this alteration remains unclear.

GeneDx
Classification: Uncertain significance. Last evaluated: 2014-07-17. Review status: criteria provided, single submitter. Criteria: GeneDx Variant Classification (06012015). Collection method: clinical testing. Allele origin: germline. Affected: yes.
Comment: This variant is denoted CHEK2 c.1136C>G at the cDNA level, p.Ser379Cys (S379C) at the protein level, and results in the change of a Serine to a Cysteine (TCT>TGT). This variant has not, to our knowledge, been published in the literature as pathogenic or benign. CHEK2 Ser379Cys was not observed in approximately 6,500 individuals of European and African American ancestry in the NHLBI Exome Sequencing Project, indicating it is not a common benign variant in these populations. Since Serine and Cysteine differ in polarity, charge, size or other properties, this is considered a non-conservative amino acid substitution. CHEK2 Ser379Cys occurs at a position that is well conserved through mammals and is not located in a known functional domain (Roeb 2012). In silico analyses predict that this variant is probably damaging to protein structure and function. Based on currently available information, it is unclear whether CHEK2 Ser379Cys is pathogenic or benign. We consider it to be a variant of uncertain significance.